The following is an entry in ClinVar:

NM_002880.4(RAF1):c.1537-5T>C

Gene: RAF1 (Raf-1 proto-oncogene, serine/threonine kinase; minus strand). Cytogenetic location: 3p25.2.
Variant type: single nucleotide variant.
Coding change: c.1537-5T>C on transcript NM_002880.4 (MANE Select); 5 bases into the intron before coding-DNA position 1537, T replaced by C.
Molecular consequence: intron variant.
Genome position (GRCh38, 1-based): chr3:12,585,258, A>G on the plus strand (T>C on the coding strand, the complement: RAF1 is on the minus strand). VCF-style: chr3-12585258-A-G. GRCh37 (hg19) VCF-style: chr3-12626757-A-G.
Other names: c.1195-5T>C (NM_001354695.3); c.1294-5T>C (NM_001354692.3, NM_001354691.3); c.1354-5T>C (NM_001354694.3); c.1438-5T>C (NM_001354693.3); c.1597-5T>C (NM_001354689.3); c.1537-5T>C (NM_001354690.3, NM_002880.3).
Identifiers: ClinVar variation 2038632 (VCV002038632.5), dbSNP rs768987002, ClinGen allele CA69603410.

ClinVar aggregate classification (germline): Conflicting classifications of pathogenicity. Review status: criteria provided, conflicting classifications (1 of 4 stars). 2 submissions from 2 submitters: Uncertain significance (1); Likely benign (1). Last evaluated 2024-12-18.

Conditions:
Cardiovascular phenotype. Identifiers: MedGen CN230736.
RASopathy. Also called: Noonan spectrum disorder; rasopathies. Identifiers: Orphanet 536391, MedGen C5555857, MONDO:0021060.

Allele frequency attached by ClinVar (database versions not stated): gnomAD exomes 0.00001; gnomAD 0.00001.
gnomAD v4.1: 11 of 1,613,946 alleles (0.00068%); highest among the groups gnomAD compares: African/African-American, 0.0013%; no homozygotes.

Submissions (2):

Ambry Genetics
Classification: Uncertain significance for Cardiovascular phenotype. Last evaluated: 2024-12-18. Review status: criteria provided, single submitter. Criteria: Ambry Variant Classification Scheme 2023. Collection method: clinical testing. Allele origin: germline.
Comment: The c.1537-5T>C intronic variant results from a T to C substitution 5 nucleotides upstream from coding exon 14 in the RAF1 gene. This nucleotide position is not well conserved in available vertebrate species. In silico splice site analysis predicts that this alteration will not have any significant effect on splicing. Based on the available evidence, the clinical significance of this variant remains unclear.

Labcorp Genetics (formerly Invitae), Labcorp
Classification: Likely benign for RASopathy. Last evaluated: 2022-04-29. Review status: criteria provided, single submitter. Criteria: Invitae Variant Classification Sherloc (09022015). Collection method: clinical testing. Allele origin: germline.